The following is an entry in ClinVar:

NM_003718.5(CDK13):c.1885A>G (p.Ile629Val)

Gene: CDK13 (cyclin dependent kinase 13; plus strand). Cytogenetic location: 7p14.1.
Variant type: single nucleotide variant.
Coding change: c.1885A>G on transcript NM_003718.5 (MANE Select); coding-DNA position 1885, A replaced by G.
Protein change: p.Ile629Val; replaces isoleucine 629 with valine.
Molecular consequence: missense variant.
Genome position (GRCh38, 1-based): chr7:39,997,507, A>G. VCF-style: chr7-39997507-A-G. GRCh37 (hg19) VCF-style: chr7-40037106-A-G.
Other names: c.1885A>G, p.Ile629Val (NM_031267.4); short protein forms I629V.
Identifiers: ClinVar variation 2171966 (VCV002171966.5), dbSNP rs751299342, ClinGen allele CA4228599.

ClinVar aggregate classification (germline): Conflicting classifications of pathogenicity. Review status: criteria provided, conflicting classifications (1 of 4 stars). 2 submissions from 2 submitters: Uncertain significance (1); Likely benign (1). Last evaluated 2025-11-03.

Conditions:
Inborn genetic diseases. Identifiers: MedGen C0950123, MeSH D030342.

Allele frequency attached by ClinVar (database versions not stated): gnomAD exomes 0.00001; ExAC 0.00002; gnomAD 0.00002; TOPMed 0.00002.
gnomAD v4.1: 15 of 1,595,458 alleles (0.00094%); highest among the groups gnomAD compares: East Asian, 0.011%; no homozygotes.

Submissions (2):

Labcorp Genetics (formerly Invitae), Labcorp
Classification: Uncertain significance. Last evaluated: 2025-11-03. Review status: criteria provided, single submitter. Criteria: Invitae Variant Classification Sherloc (09022015). Collection method: clinical testing. Allele origin: germline.
Comment: This sequence change replaces isoleucine, which is neutral and non-polar, with valine, which is neutral and non-polar, at codon 629 of the CDK13 protein (p.Ile629Val). This variant is present in population databases (rs751299342, gnomAD 0.02%). This variant has not been reported in the literature in individuals affected with CDK13-related conditions. ClinVar contains an entry for this variant (Variation ID: 2171966). Invitae Evidence Modeling of protein sequence and biophysical properties (such as structural, functional, and spatial information, amino acid conservation, physicochemical variation, residue mobility, and thermodynamic stability) indicates that this missense variant is not expected to disrupt CDK13 protein function with a negative predictive value of 95%. In summary, the available evidence is currently insufficient to determine the role of this variant in disease. Therefore, it has been classified as a Variant of Uncertain Significance.

Ambry Genetics
Classification: Likely benign for Inborn genetic diseases. Last evaluated: 2024-10-08. Review status: criteria provided, single submitter. Criteria: Ambry Variant Classification Scheme 2023. Collection method: clinical testing. Allele origin: germline.